The following is an entry in ClinVar:

NM_000038.6(APC):c.1638del (p.Ser546fs)

Gene: APC (APC regulator of Wnt signaling pathway; plus strand). Cytogenetic location: 5q22.2.
Variant type: Deletion.
Coding change: c.1638del on transcript NM_000038.6 (MANE Select); coding-DNA position 1638, one base deleted (T; older notation c.1638delT).
Protein change: p.Ser546fs; shifts the reading frame from serine 546.
Molecular consequence: frameshift variant.
Genome position (GRCh38, 1-based): chr5:112,828,867, T deleted. VCF-style (leftmost placement, unchanged base first): chr5-112828866-GT-G. GRCh37 (hg19) VCF-style: chr5-112164563-GT-G.
Other names: c.1638del, p.Ser546fs (NM_001127510.3, NM_001354895.2); c.1584del, p.Ser528fs (NM_001127511.3); c.1692del, p.Ser564fs (NM_001354896.2); c.1668del, p.Ser556fs (NM_001354897.2); c.1563del, p.Ser521fs (NM_001354898.2); c.1554del, p.Ser518fs (NM_001354899.2); c.1515del, p.Ser505fs (NM_001354900.2); c.1461del, p.Ser487fs (NM_001354901.2); and 5 more; short protein forms S263fs, S386fs, S420fs, S445fs, S455fs, S487fs, S505fs, S518fs.
Identifiers: ClinVar variation 1075049 (VCV001075049.8), dbSNP rs2149816966, ClinGen allele CA2499217453.

ClinVar aggregate classification (germline): Pathogenic (1 of 4 stars; one submission).

Conditions:
Familial adenomatous polyposis 1 (FAP1). Also called: FAMILIAL ADENOMATOUS POLYPOSIS 1, ATTENUATED; POLYPOSIS, ADENOMATOUS INTESTINAL. Identifiers: MedGen C2713442, MONDO:0021056, OMIM 175100. Disease mechanism: loss of function.

Submission:

Labcorp Genetics (formerly Invitae), Labcorp
Classification: Pathogenic for Familial adenomatous polyposis 1. Last evaluated: 2020-11-25. Review status: criteria provided, single submitter. Criteria: Invitae Variant Classification Sherloc (09022015). Collection method: clinical testing. Allele origin: germline.
Comment: For these reasons, this variant has been classified as Pathogenic. This variant has not been reported in the literature in individuals with APC-related conditions. This variant is not present in population databases (ExAC no frequency). This sequence change creates a premature translational stop signal (p.Ser546Argfs*3) in the APC gene. It is expected to result in an absent or disrupted protein product. Loss-of-function variants in APC are known to be pathogenic (PMID: 17963004, 20685668).

Literature cited by the submitters: PubMed 17963004; PubMed 20685668.